The following is an entry in ClinVar:

ClinVar aggregate classification (germline): Uncertain significance. Review status: criteria provided, multiple submitters, no conflicts (2 of 4 stars). 2 submissions from 2 submitters: Uncertain significance (2). Last evaluated 2025-05-24.

Conditions:
Long QT syndrome (LQTS). Identifiers: MedGen C0023976, MeSH D008133, MONDO:0002442. Disease mechanism: loss of function. Inheritance: Various modes of inheritance.
Cardiovascular phenotype. Identifiers: MedGen CN230736.

Submissions (2):

Ambry Genetics
Classification: Uncertain significance for Cardiovascular phenotype. Last evaluated: 2025-05-24. Review status: criteria provided, single submitter. Criteria: Ambry Variant Classification Scheme 2023. Collection method: clinical testing. Allele origin: germline.
Comment: The p.M471T variant (also known as c.1412T>C), located in coding exon 8 of the AKAP9 gene, results from a T to C substitution at nucleotide position 1412. The methionine at codon 471 is replaced by threonine, an amino acid with similar properties. This amino acid position is conserved. In addition, this alteration is predicted to be tolerated by in silico analysis. Based on the available evidence, the clinical significance of this variant remains unclear.

Labcorp Genetics (formerly Invitae), Labcorp
Classification: Uncertain significance for Long QT syndrome. Last evaluated: 2024-09-15. Review status: criteria provided, single submitter. Criteria: Invitae Variant Classification Sherloc (09022015). Collection method: clinical testing. Allele origin: germline.
Comment: This sequence change replaces methionine, which is neutral and non-polar, with threonine, which is neutral and polar, at codon 471 of the AKAP9 protein (p.Met471Thr). This variant is not present in population databases (gnomAD no frequency). This variant has not been reported in the literature in individuals affected with AKAP9-related conditions. An algorithm developed to predict the effect of missense changes on protein structure and function (PolyPhen-2) suggests that this variant is likely to be tolerated. In summary, the available evidence is currently insufficient to determine the role of this variant in disease. Therefore, it has been classified as a Variant of Uncertain Significance.

NM_005751.5(AKAP9):c.1412T>C (p.Met471Thr)

Gene: AKAP9 (A-kinase anchoring protein 9; plus strand). Cytogenetic location: 7q21.2.
Variant type: single nucleotide variant.
Coding change: c.1412T>C on transcript NM_005751.5 (MANE Select); coding-DNA position 1412, T replaced by C.
Protein change: p.Met471Thr; replaces methionine 471 with threonine.
Molecular consequence: missense variant.
Genome position (GRCh38, 1-based): chr7:92,001,329, T>C. VCF-style: chr7-92001329-T-C. GRCh37 (hg19) VCF-style: chr7-91630643-T-C.
Other names: c.1412T>C, p.Met471Thr (NM_147185.3); short protein forms M471T.
Identifiers: ClinVar variation 3618898 (VCV003618898.3).